The following is an entry in ClinVar:

NM_080732.4(EGLN2):c.812T>G (p.Leu271Arg)

Genes: EGLN2 (egl-9 family hypoxia inducible factor 2; plus strand), RAB4B-EGLN2 (RAB4B-EGLN2 readthrough (NMD candidate); plus strand). Cytogenetic location: 19q13.2.
Variant type: single nucleotide variant.
Coding change: c.812T>G on transcript NM_080732.4 (MANE Select); coding-DNA position 812, T replaced by G.
Protein change: p.Leu271Arg; replaces leucine 271 with arginine.
Molecular consequence: missense variant. On other transcripts: non-coding transcript variant (1).
Genome position (GRCh38, 1-based): chr19:40,801,384, T>G. VCF-style: chr19-40801384-T-G. GRCh37 (hg19) VCF-style: chr19-41307289-T-G.
Other names: c.812T>G, p.Leu271Arg (NM_053046.4); short protein forms L271R.
Identifiers: ClinVar variation 1762131 (VCV001762131.2), dbSNP rs2515995752, ClinGen allele CA405956022.

ClinVar aggregate classification (germline): Uncertain significance (1 of 4 stars; one submission).

Submission:

Ambry Genetics
Classification: Uncertain significance. Last evaluated: 2021-12-11. Review status: criteria provided, single submitter. Criteria: Ambry Variant Classification Scheme 2023. Collection method: clinical testing. Allele origin: germline.
Comment: The p.L271R variant (also known as c.812T>G), located in coding exon 1 of the EGLN2 gene, results from a T to G substitution at nucleotide position 812. The leucine at codon 271 is replaced by arginine, an amino acid with dissimilar properties. This amino acid position is conserved. In addition, this alteration is predicted to be deleterious by in silico analysis. Since supporting evidence is limited at this time, the clinical significance of this alteration remains unclear.